The following is an entry in ClinVar:

NM_006946.4(SPTBN2):c.2208C>T (p.Ala736=)

Gene: SPTBN2 (spectrin beta, non-erythrocytic 2; minus strand). Cytogenetic location: 11q13.2.
Variant type: single nucleotide variant.
Coding change: c.2208C>T on transcript NM_006946.4 (MANE Select); coding-DNA position 2208, C replaced by T.
Protein change: p.Ala736=; no amino-acid change (alanine 736 retained).
Molecular consequence: synonymous variant.
Genome position (GRCh38, 1-based): chr11:66,705,068, G>A on the plus strand (C>T on the coding strand, the complement: SPTBN2 is on the minus strand). VCF-style: chr11-66705068-G-A. GRCh37 (hg19) VCF-style: chr11-66472539-G-A.
Identifiers: ClinVar variation 1603164 (VCV001603164.13), dbSNP rs776575685, ClinGen allele CA6129179.

ClinVar aggregate classification (germline): Likely benign. Review status: criteria provided, multiple submitters, no conflicts (2 of 4 stars). 2 submissions from 2 submitters: Likely benign (2). Last evaluated 2025-12-01.

Allele frequency attached by ClinVar (database versions not stated): gnomAD 0.00004; TOPMed 0.00006.
gnomAD v4.1: 28 of 1,588,952 alleles (0.0018%); highest among the groups gnomAD compares: Admixed American, 0.033%; no homozygotes.

Submissions (2):

CeGaT Center for Human Genetics Tuebingen
Classification: Likely benign. Last evaluated: 2025-12-01. Review status: criteria provided, single submitter. Criteria: CeGaT Center For Human Genetics Tuebingen Variant Classification Criteria Version 2. Collection method: clinical testing. Allele origin: germline. Affected: yes. Observed: 1 variant allele.
Comment: SPTBN2: BP4, BP7

Labcorp Genetics (formerly Invitae), Labcorp
Classification: Likely benign. Last evaluated: 2022-06-28. Review status: criteria provided, single submitter. Criteria: Invitae Variant Classification Sherloc (09022015). Collection method: clinical testing. Allele origin: germline.